The following is an entry in ClinVar:

ClinVar aggregate classification (germline): Uncertain significance. Review status: criteria provided, multiple submitters, no conflicts (2 of 4 stars). 2 submissions from 2 submitters: Uncertain significance (2). Last evaluated 2025-10-15.

Conditions:
PCNT-related disorder. Also called: PCNT-related condition.
Inborn genetic diseases. Identifiers: MedGen C0950123, MeSH D030342.

Allele frequency attached by ClinVar (database versions not stated): gnomAD exomes below 0.00001; ExAC 0.00004; gnomAD 0.00005; TOPMed 0.00005; 1000 Genomes Project 30x 0.00016; 1000 Genomes Project 0.00020.
gnomAD v4.1: 12 of 1,609,604 alleles (0.00075%); highest among the groups gnomAD compares: African/African-American, 0.013%; no homozygotes.

Submissions (2):

PreventionGenetics, part of Exact Sciences
Classification: Uncertain significance for PCNT-related condition. Last evaluated: 2025-10-15. Review status: criteria provided, single submitter. Criteria: ACMG Guidelines, 2015. Collection method: clinical testing. Allele origin: germline.
Comment: The PCNT c.4057G>A variant is predicted to result in the amino acid substitution p.Gly1353Arg. To our knowledge, this variant has not been reported in the literature. This variant is reported in 0.0066% of alleles in individuals of African descent in gnomAD. At this time, the clinical significance of this variant is uncertain due to the absence of conclusive functional and genetic evidence.

Ambry Genetics
Classification: Uncertain significance for Inborn genetic diseases. Last evaluated: 2025-01-09. Review status: criteria provided, single submitter. Criteria: Ambry Variant Classification Scheme 2023. Collection method: clinical testing. Allele origin: germline.

NM_006031.6(PCNT):c.4057G>A (p.Gly1353Arg)

Gene: PCNT (pericentrin; plus strand). Cytogenetic location: 21q22.3.
Variant type: single nucleotide variant.
Coding change: c.4057G>A on transcript NM_006031.6 (MANE Select); coding-DNA position 4057, G replaced by A.
Protein change: p.Gly1353Arg; replaces glycine 1353 with arginine.
Molecular consequence: missense variant.
Genome position (GRCh38, 1-based): chr21:46,391,217, G>A. VCF-style: chr21-46391217-G-A. GRCh37 (hg19) VCF-style: chr21-47811132-G-A.
Other names: c.3703G>A, p.Gly1235Arg (NM_001315529.2); short protein forms G1235R, G1353R.
Identifiers: ClinVar variation 2636668 (VCV002636668.5), dbSNP rs533696247, ClinGen allele CA10079526.